The following is an entry in ClinVar:

NM_017866.6(TMEM70):c.57G>C (p.Arg19Ser)

Gene: TMEM70 (transmembrane protein 70; plus strand). Cytogenetic location: 8q21.11.
Variant type: single nucleotide variant.
Coding change: c.57G>C on transcript NM_017866.6 (MANE Select); coding-DNA position 57, G replaced by C.
Protein change: p.Arg19Ser; replaces arginine 19 with serine.
Molecular consequence: missense variant. On other transcripts: non-coding transcript variant (1).
Genome position (GRCh38, 1-based): chr8:73,976,338, G>C. VCF-style: chr8-73976338-G-C. GRCh37 (hg19) VCF-style: chr8-74888573-G-C.
Other names: c.57G>C, p.Arg19Ser (NM_001040613.3); short protein forms R19S.
Identifiers: ClinVar variation 1985309 (VCV001985309.1), dbSNP rs1271320156, ClinGen allele CA371489181.

ClinVar aggregate classification (germline): Uncertain significance (1 of 4 stars; one submission).

Conditions:
Mitochondrial complex V (ATP synthase) deficiency, nuclear type 2. Also called: Nuclear-Encoded ATPase Deficiency, TMEM70-Related; ENCEPHALOCARDIOMYOPATHY, MITOCHONDRIAL, NEONATAL, DUE TO ATP SYNTHASE DEFICIENCY; MITOCHONDRIAL COMPLEX V (ATP SYNTHASE) DEFICIENCY, TMEM70 TYPE. Identifiers: Orphanet 1194, MedGen C3279699, MONDO:0013546, OMIM 614052.

Allele frequency attached by ClinVar (database versions not stated): TOPMed 0.00001; gnomAD 0.00002.
gnomAD v4.1: 3 of 1,600,518 alleles (0.00019%); highest among the groups gnomAD compares: African/African-American, 0.004%; no homozygotes.

Submission:

Labcorp Genetics (formerly Invitae), Labcorp
Classification: Uncertain significance for Mitochondrial complex V (ATP synthase) deficiency, nuclear type 2. Last evaluated: 2022-06-08. Review status: criteria provided, single submitter. Criteria: Invitae Variant Classification Sherloc (09022015). Collection method: clinical testing. Allele origin: germline.
Comment: This sequence change replaces arginine, which is basic and polar, with serine, which is neutral and polar, at codon 19 of the TMEM70 protein (p.Arg19Ser). This variant is not present in population databases (gnomAD no frequency). This variant has not been reported in the literature in individuals affected with TMEM70-related conditions. Algorithms developed to predict the effect of missense changes on protein structure and function output the following: SIFT: "Tolerated"; PolyPhen-2: "Benign"; Align-GVGD: "Class C0". The serine amino acid residue is found in multiple mammalian species, which suggests that this missense change does not adversely affect protein function. In summary, the available evidence is currently insufficient to determine the role of this variant in disease. Therefore, it has been classified as a Variant of Uncertain Significance.